The following is an entry in ClinVar:

ClinVar aggregate classification (germline): Uncertain significance (1 of 4 stars; one submission).

Conditions:
Pierson syndrome. Also called: MICROCORIA-CONGENITAL NEPHROTIC SYNDROME. Identifiers: Orphanet 2670, MedGen C1836876, MONDO:0012184, OMIM 609049.
LAMB2-related infantile-onset nephrotic syndrome. Also called: NEPHROTIC SYNDROME, TYPE 5, WITHOUT OCULAR ABNORMALITIES; NEPHROTIC SYNDROME, TYPE 5, WITH OCULAR ABNORMALITIES; Nephrotic Syndrome, type 5. Identifiers: Orphanet 306507, MedGen C3280113, MONDO:0013621, OMIM 614199.

Allele frequency attached by ClinVar (database versions not stated): gnomAD exomes 0.00001.
gnomAD v4.1: 2 of 1,614,070 alleles (0.00012%); highest among the groups gnomAD compares: Admixed American, 0.0033%; no homozygotes.

Submission:

Labcorp Genetics (formerly Invitae), Labcorp
Classification: Uncertain significance for Nephrotic syndrome, type 5, with or without ocular abnormalities; Pierson syndrome. Last evaluated: 2019-09-20. Review status: criteria provided, single submitter. Criteria: Invitae Variant Classification Sherloc (09022015). Collection method: clinical testing. Allele origin: germline.
Comment: This sequence change replaces proline with serine at codon 970 of the LAMB2 protein (p.Pro970Ser). The proline residue is highly conserved and there is a moderate physicochemical difference between proline and serine. This variant is not present in population databases (ExAC no frequency). This variant has not been reported in the literature in individuals with LAMB2-related conditions. Algorithms developed to predict the effect of missense changes on protein structure and function (SIFT, PolyPhen-2, Align-GVGD) all suggest that this variant is likely to be disruptive, but these predictions have not been confirmed by published functional studies and their clinical significance is uncertain. In summary, the available evidence is currently insufficient to determine the role of this variant in disease. Therefore, it has been classified as a Variant of Uncertain Significance.

NM_002292.4(LAMB2):c.2908C>T (p.Pro970Ser)

Gene: LAMB2 (laminin subunit beta 2; minus strand). Cytogenetic location: 3p21.31.
Variant type: single nucleotide variant.
Coding change: c.2908C>T on transcript NM_002292.4 (MANE Select); coding-DNA position 2908, C replaced by T.
Protein change: p.Pro970Ser; replaces proline 970 with serine.
Molecular consequence: missense variant.
Genome position (GRCh38, 1-based): chr3:49,124,902, G>A on the plus strand (C>T on the coding strand, the complement: LAMB2 is on the minus strand). VCF-style: chr3-49124902-G-A. GRCh37 (hg19) VCF-style: chr3-49162335-G-A.
Other names: short protein forms P970S.
Identifiers: ClinVar variation 938602 (VCV000938602.1), dbSNP rs1271329821, ClinGen allele CA352714963.